The following is an entry in ClinVar:

NM_007294.4(BRCA1):c.5213G>A (p.Gly1738Glu)

Gene: BRCA1 (BRCA1 DNA repair associated; minus strand). Cytogenetic location: 17q21.31.
Variant type: single nucleotide variant.
Coding change: c.5213G>A on transcript NM_007294.4 (MANE Select); coding-DNA position 5213, G replaced by A.
Protein change: p.Gly1738Glu; replaces glycine 1738 with glutamic acid.
Molecular consequence: missense variant. On other transcripts: non-coding transcript variant (1).
Genome position (GRCh38, 1-based): chr17:43,057,116, C>T on the plus strand (G>A on the coding strand, the complement: BRCA1 is on the minus strand). VCF-style: chr17-43057116-C-T. GRCh37 (hg19) VCF-style: chr17-41209133-C-T.
Other names: 5332G>A; c.5000G>A, p.Gly1667Glu (NM_001407908.1, NM_001407909.1, NM_001407910.1 and 12 more transcripts); c.4997G>A, p.Gly1666Glu (NM_001407915.1, NM_001407916.1, NM_001407917.1 and 1 more transcripts); c.5090G>A, p.Gly1697Glu (NM_001407919.1, NM_001407664.1, NM_001407665.1 and 6 more transcripts); c.4949G>A, p.Gly1650Glu (NM_001407920.1, NM_001407921.1, NM_001407922.1 and 4 more transcripts); c.5210G>A, p.Gly1737Glu (NM_001407615.1, NM_001407616.1, NM_001407617.1 and 17 more transcripts); c.5069G>A, p.Gly1690Glu (NM_001407739.1, NM_001407740.1, NM_001407741.1 and 21 more transcripts); c.5207G>A, p.Gly1736Glu (NM_001407634.1, NM_001407635.1, NM_001407636.1 and 14 more transcripts); and 73 more; short protein forms G1738E, G1691E, G1759E, G634E, G1569E, G1610E, G1626E, G1627E.
Identifiers: ClinVar variation 55462 (VCV000055462.46), dbSNP rs80357450, ClinGen allele CA003365.

ClinVar aggregate classification (germline): Pathogenic/Likely pathogenic. Review status: criteria provided, multiple submitters, no conflicts (2 of 4 stars). 14 submissions from 14 submitters: Pathogenic (8); Likely pathogenic (3). 3 of the submissions do not count toward it. Last evaluated 2025-12-29.

Conditions:
Hereditary cancer-predisposing syndrome. Also called: Hereditary Cancer Syndrome; Hereditary neoplastic syndrome; Neoplastic Syndromes, Hereditary; Tumor predisposition. Identifiers: Orphanet 140162, MedGen C0027672, MeSH D009386, MONDO:0015356.
Breast-ovarian cancer, familial, susceptibility to, 1 (BROVCA1). Also called: BRCA1 Hereditary Breast and Ovarian Cancer; OVARIAN CANCER, SUSCEPTIBILITY TO. Identifiers: Orphanet 145, MedGen C2676676, MONDO:0011450, OMIM 604370. Disease mechanism: loss of function.
Hereditary breast ovarian cancer syndrome. Also called: BRCA1- and BRCA2-Associated Hereditary Breast and Ovarian Cancer; Hereditary breast and ovarian cancer syndrome; Hereditary breast and ovarian cancer syndrome (HBOC); Breast and ovarian cancer; Hereditary breast and/or ovarian cancer syndrome; Hereditary breast and ovarian cancer. Identifiers: Orphanet 145, MedGen C0677776, MeSH D061325, MONDO:0003582. Disease mechanism: loss of function.

Submissions (15):

Center for Genomic Medicine, Rigshospitalet, Copenhagen University Hospital
Classification: Pathogenic. Last evaluated: 2025-12-29. Review status: criteria provided, single submitter. Criteria: ACMG Guidelines, 2015. Collection method: clinical testing. Allele origin: germline.

Labcorp Genetics (formerly Invitae), Labcorp
Classification: Pathogenic for Hereditary breast ovarian cancer syndrome. Last evaluated: 2025-08-18. Review status: criteria provided, single submitter. Criteria: Invitae Variant Classification Sherloc (09022015). Collection method: clinical testing. Allele origin: germline.
Comment: This sequence change replaces glycine, which is neutral and non-polar, with glutamic acid, which is acidic and polar, at codon 1738 of the BRCA1 protein (p.Gly1738Glu). This variant is not present in population databases (gnomAD no frequency). This missense change has been observed in individual(s) with breast cancer and ovarian cancer (PMID: 18465347, 21918854, 23113073). ClinVar contains an entry for this variant (Variation ID: 55462). Invitae Evidence Modeling incorporating data from in vitro experimental studies (PMID: 30209399) indicates that this missense variant is expected to disrupt BRCA1 function with a positive predictive value of 95%. Experimental studies have shown that this missense change affects BRCA1 function (PMID: 10811118, 11157798, 20516115). This variant disrupts the p.Gly1738 amino acid residue in BRCA1. Other variant(s) that disrupt this residue have been determined to be pathogenic (PMID: 21990134). This suggests that this residue is clinically significant, and that variants that disrupt this residue are likely to be disease-causing. For these reasons, this variant has been classified as Pathogenic.

Ambry Genetics
Classification: Likely pathogenic for Hereditary cancer-predisposing syndrome. Last evaluated: 2024-09-03. Review status: criteria provided, single submitter. Criteria: Ambry Variant Classification Scheme 2023. Collection method: clinical testing. Allele origin: germline.
Comment: The p.G1738E variant (also known as c.5213G>A), located in coding exon 18 of the BRCA1 gene, results from a G to A substitution at nucleotide position 5213. The glycine at codon 1738 is replaced by glutamic acid, an amino acid with similar properties. This alteration has been identified in multiple individuals diagnosed with breast cancer (Keshavarzi F et al. Fam Cancer, 2012 Mar;11:57-67). One functional study found that this nucleotide substitution is non-functional in a high throughput genome editing haploid cell survival assay (Findlay GM et al. Nature, 2018 Oct;562:217-222). This amino acid position is highly conserved in available vertebrate species. In addition, this alteration is predicted to be deleterious by in silico analysis. This variant is considered to be rare based on population cohorts in the Genome Aggregation Database (gnomAD). Based on the majority of available evidence to date, this variant is likely to be pathogenic.

Department of Clinical Genetics, Copenhagen University Hospital, Rigshospitalet
Classification: Pathogenic for Breast-ovarian cancer, familial, susceptibility to, 1. Last evaluated: 2024-05-27. Review status: criteria provided, single submitter. Criteria: ACMG Guidelines, 2015. Collection method: clinical testing. Allele origin: germline. Affected: yes.
Comment: PP3; PS3; PP1_Strong; PM2_Supporting

Clinical Genetics Laboratory, Skane University Hospital Lund
Classification: Likely pathogenic. Last evaluated: 2023-03-13. Review status: criteria provided, single submitter. Criteria: ACMG Guidelines, 2015. Collection method: clinical testing. Allele origin: germline. Affected: yes.

Baylor Genetics
Classification: Pathogenic for Breast-ovarian cancer, familial, susceptibility to, 1. Last evaluated: 2022-02-02. Review status: criteria provided, single submitter. Criteria: ACMG Guidelines, 2015. Collection method: clinical testing. Allele origin: unknown.

Color Diagnostics, LLC DBA Color Health
Classification: Pathogenic for Hereditary cancer-predisposing syndrome. Last evaluated: 2021-07-21. Review status: criteria provided, single submitter. Criteria: ACMG Guidelines, 2015. Collection method: clinical testing. Allele origin: germline.
Comment: This missense variant replaces glycine with glutamic acid at codon 1738 of the BRCA1 protein. Computational and in silico lines of evidence consistently support a deleterious effect on the function of the gene or gene product (internally defined REVEL score threshold 0.5 < inconclusive < 0.7, PMID: 27666373). Functional studies have shown that this variant protein is defective in assays for protease sensitivity, peptide binding, phospho-peptide specificity, transcriptional activation, and a haploid cell proliferation (PMID: 10811118, 11157798, 20516115, 30209399). This variant has been reported in individuals and families affected breast cancer and ovarian cancer (PMID: 11157798, 18465347, 21918854, 23113073, 30678073, 23113073). It has been shown that this variant segregates with breast cancer in two families, including one family with five breast cancer affected members across three generations (PMID: 23113073). Variant results in a different missense amino acid change in same location as a previously established pathogenic variant (p.Gly1738Arg). This variant has not been identified in the general population by the Genome Aggregation Database (gnomAD). Based on the available evidence, this variant is classified as Pathogenic.

Genome-Nilou Lab
Classification: Pathogenic for Breast-ovarian cancer, familial, susceptibility to, 1. Last evaluated: 2021-07-04. Review status: criteria provided, single submitter. Criteria: ACMG Guidelines, 2015. Collection method: clinical testing. Allele origin: germline. Inheritance: Autosomal dominant inheritance. Affected: yes.

Women's Health and Genetics/Laboratory Corporation of America, LabCorp
Classification: Pathogenic for Hereditary breast and ovarian cancer syndrome. Last evaluated: 2019-08-23. Review status: criteria provided, single submitter. Criteria: LabCorp Variant Classification Summary - May 2015. Collection method: clinical testing. Allele origin: germline.
Comment: Variant summary: BRCA1 c.5213G>A (p.Gly1738Glu) results in a non-conservative amino acid change in the encoded protein sequence. Four of five in-silico tools predict a damaging effect of the variant on protein function. The variant was absent in 251492 control chromosomes (gnomAD). c.5213G>A has been reported in the literature in several individuals and families affected with Hereditary Breast and Ovarian Cancer (Keshavarzi_2012, Nielsen_2016). These data indicate that the variant is very likely to be associated with disease. Multiple publications reported experimental evidence evaluating an impact on protein function, and demonstrated protein folding defect, compromised phosphopeptide binding, and decreased transcriptional activity in yeast and human cells (Hayes_2000, Lee_2010). Three clinical diagnostic laboratories have submitted clinical-significance assessments for this variant to ClinVar after 2014 without evidence for independent evaluation, and they classified the variant as pathogenic (2x) / likely pathogenic (1x). Based on the evidence outlined above, the variant was classified as pathogenic.

Consortium of Investigators of Modifiers of BRCA1/2 (CIMBA), c/o University of Cambridge
Classification: Pathogenic for Breast-ovarian cancer, familial, susceptibility to, 1. Last evaluated: 2015-10-02. Review status: criteria provided, single submitter. Criteria: CIMBA Mutation Classification guidelines May 2016. Collection method: clinical testing. Allele origin: germline.

Department of Medical Genetics, Oslo University Hospital
Classification: Likely pathogenic for Breast-ovarian cancer, familial, susceptibility to, 1. Last evaluated: 2015-07-01. Review status: criteria provided, single submitter. Criteria: ACMG Guidelines, 2015. Collection method: clinical testing. Allele origin: germline. Affected: yes. Observed: 1 variant allele.

BRCAlab, Lund University
Classification: Likely pathogenic for Breast-ovarian cancer, familial, susceptibility to, 1. Last evaluated: 2022-08-26. Review status: no assertion criteria provided. Collection method: clinical testing. Allele origin: germline. Affected: yes. Not counted in ClinVar's aggregate classification.

Sharing Clinical Reports Project (SCRP)
Classification: Likely pathogenic for Breast-ovarian cancer, familial 1. Last evaluated: 2012-08-01. Review status: no assertion criteria provided. Collection method: clinical testing. Allele origin: germline. Not counted in ClinVar's aggregate classification.

Breast Cancer Information Core (BIC) (BRCA1)
Classification: Uncertain significance for Breast-ovarian cancer, familial 1. Last evaluated: 2002-05-29. Review status: no assertion criteria provided. Collection method: clinical testing. Allele origin: germline. Affected: yes. Observed: 6 variant alleles. Not counted in ClinVar's aggregate classification.

Brotman Baty Institute, University of Washington
No classification provided (evidence only). Condition: Breast-ovarian cancer, familial 1. Review status: no classification provided. Collection method: in vitro. Allele origin: not applicable. Functional consequence: functionally_abnormal. Not counted in ClinVar's aggregate classification.
ClinVar note: "not provided" was previously submitted as the classification for the variant. However, the classification appeared to be based only on an observation of functional data so it was converted to no classification on 2025-07-30.

Literature cited by the submitters: PubMed 26833046 (cited by Center for Genomic Medicine, Rigshospitalet, Copenhagen University Hospital and Women's Health and Genetics/Laboratory Corporation of America, LabCorp); PubMed 10811118 (cited by 3 submitters); PubMed 18182601 (cited by Center for Genomic Medicine, Rigshospitalet, Copenhagen University Hospital); PubMed 20516115 (cited by 3 submitters); PubMed 30209399 (cited by 3 submitters); PubMed 30765603 (cited by Center for Genomic Medicine, Rigshospitalet, Copenhagen University Hospital); PubMed 18465347 (cited by Labcorp Genetics (formerly Invitae), Labcorp); PubMed 21918854 (cited by 3 submitters); PubMed 23113073 (cited by Labcorp Genetics (formerly Invitae), Labcorp); PubMed 11157798 (cited by Labcorp Genetics (formerly Invitae), Labcorp); PubMed 21990134 (cited by Labcorp Genetics (formerly Invitae), Labcorp); PubMed 28781887 (cited by Women's Health and Genetics/Laboratory Corporation of America, LabCorp).